The following is an entry in ClinVar:

NM_000179.3(MSH6):c.1819dup (p.Thr607fs)

Gene: MSH6 (mutS homolog 6; plus strand). Cytogenetic location: 2p16.3.
Variant type: Duplication.
Coding change: c.1819dup on transcript NM_000179.3 (MANE Select); coding-DNA position 1819, one base duplicated (A; older notation c.1819dupA).
Protein change: p.Thr607fs; shifts the reading frame from threonine 607.
Molecular consequence: frameshift variant.
Genome position (GRCh38, 1-based): chr2:47,799,802, A duplicated; the last of 4 consecutive A bases (chr2:47,799,799-47,799,802); duplicating any one gives the same sequence. VCF-style (leftmost placement, unchanged base first): chr2-47799798-T-TA. GRCh37 (hg19) VCF-style: chr2-48026937-T-TA.
Other names: c.1429dup, p.Thr477fs (NM_001281492.2); c.913dup, p.Thr305fs (NM_001281493.2, NM_001281494.2); c.1819dupA (NM_000179.2, NM_000179.3); short protein forms T305fs, T477fs, T607fs.
Identifiers: ClinVar variation 89225 (VCV000089225.7), dbSNP rs587779221, ClinGen allele CA330389.
Genomic context (GRCh38, chr2:47,799,798, plus strand): 5'-AGTGGCACACTATCCCCCAGTACAAGTTTTATTTGAAAAAGGAAATCTCTCAAAGGAAAC[T>TA]AAAACAATTCTAAAGAGTTCATTGTCCTGTTCTCTTCAGGAAGGTCTGATACCCGGCTCC-3'

ClinVar aggregate classification (germline): Pathogenic. Review status: reviewed by expert panel (3 of 4 stars). 5 submissions from 5 submitters: Pathogenic (1). 4 of the submissions do not count toward it. Last evaluated 2013-09-05.

Conditions:
Hereditary nonpolyposis colon cancer (HNPCC). Also called: Hereditary nonpolyposis colorectal cancer; Familial nonpolyposis colon cancer; Hereditary Nonpolyposis Colorectal Cancer Syndrome. Identifiers: Orphanet 443909, MedGen C1333990, MONDO:0018630. Disease mechanism: loss of function.
Lynch syndrome. Identifiers: Orphanet 144, MedGen C4552100, MONDO:0005835. Disease mechanism: loss of function.
Hereditary cancer-predisposing syndrome. Also called: Tumor predisposition; Hereditary Cancer Syndrome; Hereditary neoplastic syndrome; Neoplastic Syndromes, Hereditary. Identifiers: Orphanet 140162, MedGen C0027672, MeSH D009386, MONDO:0015356.
Lynch syndrome 5 (LYNCH5). Also called: Colorectal cancer, hereditary nonpolyposis, type 5; Hereditary non-polyposis colorectal cancer, type 5. Identifiers: Orphanet 144, MedGen C1833477, MONDO:0013710, OMIM 614350. Disease mechanism: loss of function.

Submissions (5):

International Society for Gastrointestinal Hereditary Tumours (InSiGHT)
Classification: Pathogenic for Lynch Syndrome. Last evaluated: 2013-09-05. Review status: reviewed by expert panel. Criteria: Guidelines v1.9. Collection method: research. Allele origin: germline.
Comment: Coding sequence variation resulting in a stop codon

Classified with v1.9 guidelines

Women's Health and Genetics/Laboratory Corporation of America, LabCorp
Classification: Pathogenic for Hereditary nonpolyposis colon cancer. Last evaluated: 2025-12-16. Review status: criteria provided, single submitter. Criteria: LabCorp Variant Classification Summary - May 2015. Collection method: clinical testing. Allele origin: germline. Not counted in ClinVar's aggregate classification.
Comment: Variant summary: MSH6 c.1819dupA (p.Thr607AsnfsX33) results in a premature termination codon, predicted to cause absence of the protein due to nonsense mediated decay, which is a commonly known mechanism for disease. The variant was absent in 250506 control chromosomes (gnomAD). c.1819dupA has been observed in an individual(s) affected with ovarian cancer (Carter_2018). The following publication has been ascertained in the context of this evaluation (PMID: 30322717). ClinVar contains an entry for this variant (Variation ID: 89225). Based on the evidence outlined above, the variant was classified as pathogenic.

Myriad Genetics, Inc.
Classification: Pathogenic for Lynch syndrome 5. Last evaluated: 2023-08-15. Review status: criteria provided, single submitter. Criteria: Myriad Autosomal Dominant, Autosomal Recessive and X-Linked Classification Criteria (2023). Collection method: clinical testing. Allele origin: unknown. Not counted in ClinVar's aggregate classification.
Comment: This variant is considered pathogenic. This variant creates a frameshift predicted to result in premature protein truncation.

Ambry Genetics
Classification: Pathogenic for Hereditary cancer-predisposing syndrome. Last evaluated: 2021-11-16. Review status: criteria provided, single submitter. Criteria: Ambry Variant Classification Scheme 2023. Collection method: clinical testing. Allele origin: germline. Not counted in ClinVar's aggregate classification.
Comment: The c.1819dupA pathogenic mutation, located in coding exon 4 of the MSH6 gene, results from a duplication of A at nucleotide position 1819, causing a translational frameshift with a predicted alternate stop codon (p.T607Nfs*33). This variant was identified in a cohort of 4439 women with ovarian cancer undergoing multigene panel testing at one laboratory (Carter NJ et al. Gynecol Oncol, 2018 12;151:481-488). This variant is considered to be rare based on population cohorts in the Genome Aggregation Database (gnomAD). In addition to the clinical data presented in the literature, this alteration is expected to result in loss of function by premature protein truncation or nonsense-mediated mRNA decay. As such, this alteration is interpreted as a disease-causing mutation.

GeneDx
Classification: Pathogenic. Last evaluated: 2015-04-17. Review status: criteria provided, single submitter. Criteria: GeneDx Variant Classification (06012015). Collection method: clinical testing. Allele origin: germline. Affected: yes. Not counted in ClinVar's aggregate classification.
Comment: This duplication of one nucleotide in MSH6 is denoted c.1819dupA at the cDNA level and p.Thr607AsnfsX33 (T607NfsX33) at the protein level. The normal sequence, with the base that is duplicated in brackets, is TAAA[A]CAAT. The duplication causes a frameshift, which changes a Threonine to an Asparagine at codon 607, and creates a premature stop codon at position 33 of the new reading frame. Although this variant has not, to our knowledge, been reported in the literature, it is predicted to cause loss of normal protein function through either protein truncation or nonsense-mediated mRNA decay. we consider this variant to be pathogenic.

Literature cited by the submitters: PubMed 30322717 (cited by Women's Health and Genetics/Laboratory Corporation of America, LabCorp and Ambry Genetics).